The following is an entry in ClinVar:

ClinVar aggregate classification (germline): Benign. Review status: criteria provided, multiple submitters, no conflicts (2 of 4 stars). 5 submissions from 5 submitters: Benign (5). Last evaluated 2026-02-03.

Conditions:
Combined oxidative phosphorylation defect type 27. Also called: Combined oxidative phosphorylation deficiency 27. Identifiers: Orphanet 477774, MedGen C5567608, MONDO:0014728, OMIM 616672.

Allele frequency attached by ClinVar (database versions not stated): gnomAD exomes 0.06674 and 0.07234; ESP Exome Variant Server 0.07151; gnomAD 0.07201 and 0.07285; ExAC 0.07372; TOPMed 0.07592; 1000 Genomes Project 0.09046; 1000 Genomes Project 30x 0.09057.
gnomAD v4.1: 109,031 of 1,609,722 alleles (6.8%); highest among the groups gnomAD compares: East Asian, 12%; 4,072 homozygotes.

Submissions (5):

Labcorp Genetics (formerly Invitae), Labcorp
Classification: Benign for Combined oxidative phosphorylation defect type 27. Last evaluated: 2026-02-03. Review status: criteria provided, single submitter. Criteria: Invitae Variant Classification Sherloc (09022015). Collection method: clinical testing. Allele origin: germline.

Unidad de Genómica Garrahan, Hospital de Pediatría Garrahan
Classification: Benign. Last evaluated: 2024-07-31. Review status: criteria provided, single submitter. Criteria: ACMG Guidelines, 2015. Collection method: clinical testing. Allele origin: germline. Affected: no. Observed: 19 variant alleles.
Comment: This variant is classified as Benign based on local population frequency. This variant was detected in 20% of patients studied in a panel designed for Epileptic and Developmental Encephalopathy, Progressive Myoclonus Epilepsy and Abnormal Movements and Neurodegeneration with brain iron accumulation. Number of patients: 19. Only high quality variants are reported.

Mayo Clinic Laboratories, Mayo Clinic
Classification: Benign. Last evaluated: 2022-10-27. Review status: criteria provided, single submitter. Criteria: ACMG Guidelines, 2015. Collection method: clinical testing. Allele origin: germline. Observed: 69 variant alleles.

GeneDx
Classification: Benign. Last evaluated: 2016-01-13. Review status: criteria provided, single submitter. Criteria: GeneDx Variant Classification (06012015). Collection method: clinical testing. Allele origin: germline. Affected: yes.
Comment: This variant is considered likely benign or benign based on one or more of the following criteria: it is a conservative change, it occurs at a poorly conserved position in the protein, it is predicted to be benign by multiple in silico algorithms, and/or has population frequency not consistent with disease.

Breakthrough Genomics
Classification: Benign. Review status: criteria provided, single submitter. Criteria: ACMG Guidelines, 2015. Collection method: not provided. Allele origin: germline. Inheritance: Autosomal recessive inheritance. Affected: yes.

NM_024537.4(CARS2):c.538A>T (p.Ile180Phe)

Gene: CARS2 (cysteinyl-tRNA synthetase 2, mitochondrial; minus strand). Cytogenetic location: 13q34.
Variant type: single nucleotide variant.
Coding change: c.538A>T on transcript NM_024537.4 (MANE Select); coding-DNA position 538, A replaced by T.
Protein change: p.Ile180Phe; replaces isoleucine 180 with phenylalanine.
Molecular consequence: missense variant. On other transcripts: 5 prime UTR variant (1), non-coding transcript variant (2).
Genome position (GRCh38, 1-based): chr13:110,687,754, T>A on the plus strand (A>T on the coding strand, the complement: CARS2 is on the minus strand). VCF-style: chr13-110687754-T-A. GRCh37 (hg19) VCF-style: chr13-111340101-T-A.
Other names: p.Ile180Phe; c.-462A>T (NM_001352252.2); c.538A>T, p.Ile180Phe (NM_001352253.3); short protein forms I180F.
Identifiers: ClinVar variation 380033 (VCV000380033.14), dbSNP rs72661692, ClinGen allele CA7052211.